The following is an entry in ClinVar:

NM_182931.3(KMT2E):c.4182C>G (p.His1394Gln)

Gene: KMT2E (lysine methyltransferase 2E (inactive); plus strand). Cytogenetic location: 7q22.3.
Variant type: single nucleotide variant.
Coding change: c.4182C>G on transcript NM_182931.3 (MANE Select); coding-DNA position 4182, C replaced by G.
Protein change: p.His1394Gln; replaces histidine 1394 with glutamine.
Molecular consequence: missense variant.
Genome position (GRCh38, 1-based): chr7:105,111,938, C>G. VCF-style: chr7-105111938-C-G. GRCh37 (hg19) VCF-style: chr7-104752385-C-G.
Other names: c.4056C>G, p.His1352Gln (NM_001410908.1); c.4182C>G, p.His1394Gln (NM_018682.4); c.4182C>G (NM_182931.2); short protein forms H1352Q, H1394Q.
Identifiers: ClinVar variation 2058002 (VCV002058002.11), dbSNP rs80217393, ClinGen allele CA4424698.

ClinVar aggregate classification (germline): Benign/Likely benign. Review status: criteria provided, multiple submitters, no conflicts (2 of 4 stars). 4 submissions from 4 submitters: Benign (1); Likely benign (2). 1 of the submissions does not count toward it. Last evaluated 2026-03-01.

Conditions:
KMT2E-related disorder. Also called: KMT2E-related condition.

Allele frequency attached by ClinVar (database versions not stated): gnomAD exomes 0.00031; ExAC 0.00111; TOPMed 0.00343; ESP Exome Variant Server 0.00354; gnomAD 0.00361; 1000 Genomes Project 30x 0.00515; 1000 Genomes Project 0.00519.
gnomAD v4.1: 1,018 of 1,614,122 alleles (0.063%); highest among the groups gnomAD compares: African/African-American, 1.2%; 12 homozygotes.

Submissions (4):

CeGaT Center for Human Genetics Tuebingen
Classification: Likely benign. Last evaluated: 2026-03-01. Review status: criteria provided, single submitter. Criteria: CeGaT Center For Human Genetics Tuebingen Variant Classification Criteria Version 2. Collection method: clinical testing. Allele origin: germline. Affected: yes. Observed: 2 variant alleles.
Comment: KMT2E: BP4, BS1

Labcorp Genetics (formerly Invitae), Labcorp
Classification: Benign. Last evaluated: 2026-01-19. Review status: criteria provided, single submitter. Criteria: Invitae Variant Classification Sherloc (09022015). Collection method: clinical testing. Allele origin: germline.

Blueprint Genetics
Classification: Likely benign. Last evaluated: 2024-11-15. Review status: criteria provided, single submitter. Criteria: ACMG Guidelines, 2015. Collection method: clinical testing. Allele origin: germline.

PreventionGenetics, part of Exact Sciences
Classification: Benign for KMT2E-related condition. Last evaluated: 2019-08-28. Review status: no assertion criteria provided. Collection method: clinical testing. Allele origin: germline. Not counted in ClinVar's aggregate classification.
Comment: This variant is classified as benign based on ACMG/AMP sequence variant interpretation guidelines (Richards et al. 2015 PMID: 25741868, with internal and published modifications).